The following is an entry in ClinVar:

NM_004415.4(DSP):c.6502dup (p.Ser2168fs)

Gene: DSP (desmoplakin; plus strand). Cytogenetic location: 6p24.3.
Variant type: Duplication.
Coding change: c.6502dup on transcript NM_004415.4 (MANE Select); coding-DNA position 6502, one base duplicated (A; older notation c.6502dupA).
Protein change: p.Ser2168fs; shifts the reading frame from serine 2168.
Molecular consequence: frameshift variant.
Genome position (GRCh38, 1-based): chr6:7,583,764, A duplicated. VCF-style (leftmost placement, unchanged base first): chr6-7583763-T-TA. GRCh37 (hg19) VCF-style: chr6-7583996-T-TA.
Other names: c.4705dup, p.Ser1569fs (NM_001008844.3); c.5173dup, p.Ser1725fs (NM_001319034.2); short protein forms S1569fs, S1725fs, S2168fs.
Identifiers: ClinVar variation 3075019 (VCV003075019.2), dbSNP rs2533941740, ClinGen allele CA2825001486.

ClinVar aggregate classification (germline): Likely pathogenic. Review status: criteria provided, multiple submitters, no conflicts (2 of 4 stars). 2 submissions from 2 submitters: Likely pathogenic (2). Last evaluated 2023-12-13.

Conditions:
Cardiomyopathy (CMYO). Also called: Cardiomyopathies. Identifiers: Orphanet 167848, MedGen C0878544, MONDO:0004994, HP:0001638. Inheritance: Various modes of inheritance.
Arrhythmogenic cardiomyopathy with wooly hair and keratoderma. Also called: PALMOPLANTAR KERATODERMA WITH LEFT VENTRICULAR CARDIOMYOPATHY AND WOOLLY HAIR; Carvajal syndrome; Dilated cardiomyopathy with woolly hair and keratoderma; Arrhythmogenic cardiomyopathy with woolly hair and keratoderma. Identifiers: Orphanet 65282, MedGen C1854063, MONDO:0011581, OMIM 605676.

Submissions (2):

All of Us Research Program, National Institutes of Health
Classification: Likely pathogenic for Arrhythmogenic cardiomyopathy with wooly hair and keratoderma. Last evaluated: 2023-12-13. Review status: criteria provided, single submitter. Criteria: ACMG Guidelines, 2015. Collection method: clinical testing. Allele origin: germline. Inheritance: Autosomal dominant inheritance. Observed: 1 variant allele, 1 heterozygote.
Comment: This variant inserts 1 nucleotide in exon 24 of the DSP gene, creating a frameshift and premature translation stop signal in the last exon. Although functional studies have not been reported, this variant is expected to alter the C-terminal plakin repeat domain A (a.a. 1960-2208), plakin repeat domain B (a.a. 2244-2446) and plakin repeat domain C (a.a. 2609-2822), which have been reported to be essential for interaction with intermediate filaments (PMID: 12101406, 12802069, 21756917). In addition, truncating variants occurring downstream of this variant are known to be disease-causing (ClinVar variation ID: 246676, 263803, 518482). To our knowledge, this variant has not been reported in individuals affected with cardiovascular disorders in the literature. This variant has not been identified in the general population by the Genome Aggregation Database (gnomAD). Loss of DSP function is a known mechanism of disease. Based on the available evidence, this variant is classified as Likely Pathogenic.

This study involves interpretation of variants in research participants for the purpose of population health screening. Participant phenotype was not available at the time of variant classification. Additional details can be found in publication PMID: 35346344, PMCID: PMC8962531

Color Diagnostics, LLC DBA Color Health
Classification: Likely pathogenic for Cardiomyopathy. Last evaluated: 2023-10-13. Review status: criteria provided, single submitter. Criteria: ACMG Guidelines, 2015. Collection method: clinical testing. Allele origin: germline.
Comment: This variant inserts 1 nucleotide in exon 24 of the DSP gene, creating a frameshift and premature translation stop signal in the last exon. Although functional studies have not been reported, this variant is expected to alter the C-terminal plakin repeat domain A (a.a. 1960-2208), plakin repeat domain B (a.a. 2244-2446) and plakin repeat domain C (a.a. 2609-2822), which have been reported to be essential for interaction with intermediate filaments (PMID: 12101406, 12802069, 21756917). In addition, truncating variants occurring downstream of this variant are known to be disease-causing (ClinVar variation ID: 246676, 263803, 518482). To our knowledge, this variant has not been reported in individuals affected with cardiovascular disorders in the literature. This variant has not been identified in the general population by the Genome Aggregation Database (gnomAD). Loss of DSP function is a known mechanism of disease. Based on the available evidence, this variant is classified as Likely Pathogenic.

Literature cited by the submitters: PubMed 12101406 (cited by All of Us Research Program, National Institutes of Health and Color Diagnostics, LLC DBA Color Health); PubMed 12802069 (cited by All of Us Research Program, National Institutes of Health and Color Diagnostics, LLC DBA Color Health); PubMed 21756917 (cited by All of Us Research Program, National Institutes of Health and Color Diagnostics, LLC DBA Color Health).